The following is an entry in ClinVar:

NM_178842.5(CERS3):c.-355+1G>T

Gene: CERS3 (ceramide synthase 3; minus strand). Cytogenetic location: 15q26.3.
Variant type: single nucleotide variant.
Coding change: c.-355+1G>T on transcript NM_178842.5; the canonical splice donor site of the intron after 355 bases upstream of the start codon, G replaced by T.
Molecular consequence: splice donor variant. On other transcripts: 5 prime UTR variant (1).
Genome position (GRCh38, 1-based): chr15:100,544,650, C>A on the plus strand (G>T on the coding strand, the complement: CERS3 is on the minus strand). VCF-style: chr15-100544650-C-A. GRCh37 (hg19) VCF-style: chr15-101084855-C-A.
Other names: c.-358G>T (NM_001290343.2).
Identifiers: ClinVar variation 3896069 (VCV003896069.1).
Genomic context (GRCh38, chr15:100,544,650, plus strand): 5'-GGCCCGATGCCCTCTTCCCTCCACCTGCCGTCCCCGCACCCGCCCCGGGCCCCGCACCTG[C>A]CTCCTCCTCCGTCCTGGGCCGAGGCGGGTCCGCGAGGCCGGGCGGGGGGTCCCCGCAGCG-3'

ClinVar aggregate classification (germline): Benign (1 of 4 stars; one submission).

gnomAD v4.1: 2,024 of 152,734 alleles (1.3%); highest among the groups gnomAD compares: African/African-American, 4.6%; 42 homozygotes.

Submission:

Women's Health and Genetics/Laboratory Corporation of America, LabCorp
Classification: Benign. Last evaluated: 2025-03-20. Review status: criteria provided, single submitter. Criteria: LabCorp Variant Classification Summary - May 2015. Collection method: clinical testing. Allele origin: germline.
Comment: Variant summary: CERS3 c.-355+1G>T is located in the untranslated mRNA region upstream of the initiation codon. Several computational tools predict a significant impact on normal splicing: One predict the variant abolishes a 5' splicing donor site. However, these predictions have yet to be confirmed by functional studies. The variant allele was found at a frequency of 0.013 in 152734 control chromosomes in the gnomAD database (v4), including 42 homozygotes. The observed variant frequency is approximately 53.0072 fold of the estimated maximal expected allele frequency for a pathogenic variant in CERS3 causing Lamellar Ichthyosis phenotype (0.00025). To our knowledge, no occurrence of c.-355+1G>T in individuals affected with Lamellar Ichthyosis and no experimental evidence demonstrating its impact on protein function have been reported. No submitters have cited clinical-significance assessments for this variant to ClinVar. Based on the evidence outlined above, the variant was classified as benign.